The following is an entry in ClinVar:

ClinVar aggregate classification (germline): Uncertain significance. Review status: criteria provided, multiple submitters, no conflicts (2 of 4 stars). 5 submissions from 5 submitters: Uncertain significance (5). Last evaluated 2026-02-05.

Conditions:
OTOG-related disorder. Also called: OTOG-related condition.

Allele frequency attached by ClinVar (database versions not stated): gnomAD exomes 0.00006 and 0.00016; gnomAD 0.00013 and 0.00014; TOPMed 0.00013.
gnomAD v4.1: 249 of 1,549,776 alleles (0.016%); highest among the groups gnomAD compares: Non-Finnish European, 0.019%; no homozygotes.

Submissions (5):

GeneDx
Classification: Uncertain significance. Last evaluated: 2026-02-05. Review status: criteria provided, single submitter. Criteria: GeneDx Variant Classification Process June 2021. Collection method: clinical testing. Allele origin: germline. Affected: yes.
Comment: In silico analysis supports that this missense variant has a deleterious effect on protein structure/function; Has not been previously published as pathogenic or benign to our knowledge

Labcorp Genetics (formerly Invitae), Labcorp
Classification: Uncertain significance. Last evaluated: 2025-05-01. Review status: criteria provided, single submitter. Criteria: Invitae Variant Classification Sherloc (09022015). Collection method: clinical testing. Allele origin: germline.
Comment: This sequence change replaces arginine, which is basic and polar, with glutamine, which is neutral and polar, at codon 2111 of the OTOG protein (p.Arg2111Gln). This variant is present in population databases (rs757628662, gnomAD 0.01%). This variant has not been reported in the literature in individuals affected with OTOG-related conditions. ClinVar contains an entry for this variant (Variation ID: 1193515). An algorithm developed to predict the effect of missense changes on protein structure and function (PolyPhen-2) suggests that this variant is likely to be disruptive. In summary, the available evidence is currently insufficient to determine the role of this variant in disease. Therefore, it has been classified as a Variant of Uncertain Significance.

PreventionGenetics, part of Exact Sciences
Classification: Uncertain significance for OTOG-related condition. Last evaluated: 2025-04-15. Review status: criteria provided, single submitter. Criteria: ACMG Guidelines, 2015. Collection method: clinical testing. Allele origin: germline.
Comment: The OTOG c.6332G>A variant is predicted to result in the amino acid substitution p.Arg2111Gln. To our knowledge, this variant has not been reported in the literature. This variant is reported in 0.011% of alleles in individuals of European (Non-Finnish) descent in gnomAD. At this time, the clinical significance of this variant is uncertain due to the absence of conclusive functional and genetic evidence.

Blueprint Genetics
Classification: Uncertain significance. Last evaluated: 2024-03-01. Review status: criteria provided, single submitter. Criteria: ACMG Guidelines, 2015. Collection method: clinical testing. Allele origin: germline.

Breakthrough Genomics
Classification: Uncertain significance. Review status: criteria provided, single submitter. Criteria: ACMG Guidelines, 2015. Collection method: not provided. Allele origin: germline. Inheritance: Autosomal recessive inheritance. Affected: yes.

NM_001292063.2(OTOG):c.6296G>A (p.Arg2099Gln)

Gene: OTOG (otogelin; plus strand). Cytogenetic location: 11p15.1.
Variant type: single nucleotide variant.
Coding change: c.6296G>A on transcript NM_001292063.2 (MANE Select); coding-DNA position 6296, G replaced by A.
Protein change: p.Arg2099Gln; replaces arginine 2099 with glutamine.
Molecular consequence: missense variant.
Genome position (GRCh38, 1-based): chr11:17,612,623, G>A. VCF-style: chr11-17612623-G-A. GRCh37 (hg19) VCF-style: chr11-17634170-G-A.
Other names: c.6332G>A, p.Arg2111Gln (NM_001277269.2); short protein forms R2099Q, R2111Q.
Identifiers: ClinVar variation 1193515 (VCV001193515.12), dbSNP rs757628662, ClinGen allele CA218478782.